The following is an entry in ClinVar:

ClinVar aggregate classification (germline): Uncertain significance. Review status: criteria provided, multiple submitters, no conflicts (2 of 4 stars). 2 submissions from 2 submitters: Uncertain significance (2). Last evaluated 2024-02-23.

Conditions:
POLD1-related polyposis and colorectal cancer syndrome (CRCS10). Also called: Colorectal cancer 10; COLORECTAL CANCER, SUSCEPTIBILITY TO, ON CHROMOSOME 19q; Colorectal cancer, susceptibility to, 10. Identifiers: Orphanet 220460, MedGen C2675481, MONDO:0012953, OMIM 612591.
Hereditary cancer-predisposing syndrome. Also called: Tumor predisposition; Hereditary Cancer Syndrome; Hereditary neoplastic syndrome; Neoplastic Syndromes, Hereditary. Identifiers: Orphanet 140162, MedGen C0027672, MeSH D009386, MONDO:0015356.

Submissions (2):

Ambry Genetics
Classification: Uncertain significance for Hereditary cancer-predisposing syndrome. Last evaluated: 2024-02-23. Review status: criteria provided, single submitter. Criteria: Ambry Variant Classification Scheme 2023. Collection method: clinical testing. Allele origin: germline.
Comment: The p.A627T variant (also known as c.1879G>A), located in coding exon 14 of the POLD1 gene, results from a G to A substitution at nucleotide position 1879. The alanine at codon 627 is replaced by threonine, an amino acid with similar properties. This amino acid position is conserved. In addition, this alteration is predicted to be tolerated by in silico analysis. Since supporting evidence is limited at this time, the clinical significance of this alteration remains unclear.

Labcorp Genetics (formerly Invitae), Labcorp
Classification: Uncertain significance for POLD1-related polyposis and colorectal cancer syndrome. Last evaluated: 2022-08-06. Review status: criteria provided, single submitter. Criteria: Invitae Variant Classification Sherloc (09022015). Collection method: clinical testing. Allele origin: germline.
Comment: This sequence change replaces alanine, which is neutral and non-polar, with threonine, which is neutral and polar, at codon 627 of the POLD1 protein (p.Ala627Thr). This variant is not present in population databases (gnomAD no frequency). In summary, the available evidence is currently insufficient to determine the role of this variant in disease. Therefore, it has been classified as a Variant of Uncertain Significance. Algorithms developed to predict the effect of missense changes on protein structure and function (SIFT, PolyPhen-2, Align-GVGD) all suggest that this variant is likely to be tolerated. This variant has not been reported in the literature in individuals affected with POLD1-related conditions.

NM_002691.4(POLD1):c.1879G>A (p.Ala627Thr)

Gene: POLD1 (DNA polymerase delta 1, catalytic subunit; plus strand). Cytogenetic location: 19q13.33.
Variant type: single nucleotide variant.
Coding change: c.1879G>A on transcript NM_002691.4 (MANE Select); coding-DNA position 1879, G replaced by A.
Protein change: p.Ala627Thr; replaces alanine 627 with threonine.
Molecular consequence: missense variant. On other transcripts: non-coding transcript variant (1).
Genome position (GRCh38, 1-based): chr19:50,408,888, G>A. VCF-style: chr19-50408888-G-A. GRCh37 (hg19) VCF-style: chr19-50912145-G-A.
Other names: c.1879G>A, p.Ala627Thr (NM_001256849.1); c.1957G>A, p.Ala653Thr (NM_001308632.1); short protein forms A653T, A627T.
Identifiers: ClinVar variation 1781842 (VCV001781842.7), dbSNP rs2122370304, ClinGen allele CA406982142.